The following is an entry in ClinVar:

NM_000156.6(GAMT):c.154G>A (p.Ala52Thr)

Genes: GAMT (guanidinoacetate N-methyltransferase; minus strand), LOC130062945 (ATAC-STARR-seq lymphoblastoid silent region 9707; plus strand). Cytogenetic location: 19p13.3.
Variant type: single nucleotide variant.
Coding change: c.154G>A on transcript NM_000156.6 (MANE Select); coding-DNA position 154, G replaced by A.
Protein change: p.Ala52Thr; replaces alanine 52 with threonine.
Molecular consequence: missense variant.
Genome position (GRCh38, 1-based): chr19:1,401,323, C>T on the plus strand (G>A on the coding strand, the complement: GAMT is on the minus strand). VCF-style: chr19-1401323-C-T. GRCh37 (hg19) VCF-style: chr19-1401322-C-T.
Other names: c.154G>A, p.Ala52Thr (NM_138924.3); short protein forms A52T.
Identifiers: ClinVar variation 1059226 (VCV001059226.42), dbSNP rs1010921007, ClinGen allele CA304067259.

ClinVar aggregate classification (germline): Uncertain significance. Review status: criteria provided, multiple submitters, no conflicts (2 of 4 stars). 2 submissions from 2 submitters: Uncertain significance (2). Last evaluated 2023-05-22.

Conditions:
Cerebral creatine deficiency syndrome. Also called: Creatine deficiency syndromes. Identifiers: Orphanet 79172, MedGen C5244016, MONDO:0000456.

Allele frequency attached by ClinVar (database versions not stated): gnomAD 0.00001; gnomAD exomes 0.00001.

Submissions (2):

Labcorp Genetics (formerly Invitae), Labcorp
Classification: Uncertain significance for Cerebral creatine deficiency syndrome. Last evaluated: 2023-05-22. Review status: criteria provided, single submitter. Criteria: Invitae Variant Classification Sherloc (09022015). Collection method: clinical testing. Allele origin: germline.
Comment: This sequence change replaces alanine, which is neutral and non-polar, with threonine, which is neutral and polar, at codon 52 of the GAMT protein (p.Ala52Thr). This variant is not present in population databases (gnomAD no frequency). In summary, the available evidence is currently insufficient to determine the role of this variant in disease. Therefore, it has been classified as a Variant of Uncertain Significance. Advanced modeling of protein sequence and biophysical properties (such as structural, functional, and spatial information, amino acid conservation, physicochemical variation, residue mobility, and thermodynamic stability) performed at Invitae indicates that this missense variant is not expected to disrupt GAMT protein function. ClinVar contains an entry for this variant (Variation ID: 1059226). This variant has not been reported in the literature in individuals affected with GAMT-related conditions.

CeGaT Center for Human Genetics Tuebingen
Classification: Uncertain significance. Last evaluated: 2021-04-01. Review status: criteria provided, single submitter. Criteria: CeGaT Center For Human Genetics Tuebingen Variant Classification Criteria Version 2. Collection method: clinical testing. Allele origin: germline. Affected: yes. Observed: 1 variant allele.